The following is an entry in ClinVar:

NM_016341.4(PLCE1):c.4586A>T (p.Asp1529Val)

Gene: PLCE1 (phospholipase C epsilon 1; plus strand). Cytogenetic location: 10q23.33.
Variant type: single nucleotide variant.
Coding change: c.4586A>T on transcript NM_016341.4 (MANE Select); coding-DNA position 4586, A replaced by T.
Protein change: p.Asp1529Val; replaces aspartic acid 1529 with valine.
Molecular consequence: missense variant.
Genome position (GRCh38, 1-based): chr10:94,273,641, A>T. VCF-style: chr10-94273641-A-T. GRCh37 (hg19) VCF-style: chr10-96033398-A-T.
Other names: c.3662A>T, p.Asp1221Val (NM_001165979.2); c.4538A>T, p.Asp1513Val (NM_001288989.2); short protein forms D1529V, D1221V, D1513V.
Identifiers: ClinVar variation 451842 (VCV000451842.7), dbSNP rs182314619, ClinGen allele CA5613173.

ClinVar aggregate classification (germline): Uncertain significance. Review status: criteria provided, multiple submitters, no conflicts (2 of 4 stars). 4 submissions from 4 submitters: Uncertain significance (4). Last evaluated 2025-01-12.

Conditions:
Inborn genetic diseases. Identifiers: MedGen C0950123, MeSH D030342.
Nephrotic syndrome, type 3 (NPHS3). Also called: NEPHROTIC SYNDROME, EARLY-ONSET, TYPE 3. Identifiers: Orphanet 656, MedGen C1853124, MONDO:0012546, OMIM 610725.

Allele frequency attached by ClinVar (database versions not stated): gnomAD exomes 0.00003 and 0.00011; ExAC 0.00015; gnomAD 0.00040 and 0.00042; TOPMed 0.00058; ESP Exome Variant Server 0.00059; 1000 Genomes Project 30x 0.00062; 1000 Genomes Project 0.00080.
gnomAD v4.1: 101 of 1,613,728 alleles (0.0063%); highest among the groups gnomAD compares: African/African-American, 0.11%; no homozygotes.

Submissions (4):

GeneDx
Classification: Uncertain significance. Last evaluated: 2025-01-12. Review status: criteria provided, single submitter. Criteria: GeneDx Variant Classification Process June 2021. Collection method: clinical testing. Allele origin: germline. Affected: yes.
Comment: In silico analysis indicates that this missense variant does not alter protein structure/function; Has not been previously published as pathogenic or benign to our knowledge

Fulgent Genetics
Classification: Uncertain significance for Nephrotic syndrome, type 3. Last evaluated: 2024-05-30. Review status: criteria provided, single submitter. Criteria: ACMG Guidelines, 2015. Collection method: clinical testing. Allele origin: germline.

Ambry Genetics
Classification: Uncertain significance for Inborn genetic diseases. Last evaluated: 2024-02-14. Review status: criteria provided, single submitter. Criteria: Ambry Variant Classification Scheme 2023. Collection method: clinical testing. Allele origin: germline.

Labcorp Genetics (formerly Invitae), Labcorp
Classification: Uncertain significance. Last evaluated: 2022-09-26. Review status: criteria provided, single submitter. Criteria: Invitae Variant Classification Sherloc (09022015). Collection method: clinical testing. Allele origin: germline.
Comment: This sequence change replaces aspartic acid, which is acidic and polar, with valine, which is neutral and non-polar, at codon 1529 of the PLCE1 protein (p.Asp1529Val). This variant is present in population databases (rs182314619, gnomAD 0.1%). This variant has not been reported in the literature in individuals affected with PLCE1-related conditions. ClinVar contains an entry for this variant (Variation ID: 451842). Advanced modeling of protein sequence and biophysical properties (such as structural, functional, and spatial information, amino acid conservation, physicochemical variation, residue mobility, and thermodynamic stability) performed at Invitae indicates that this missense variant is not expected to disrupt PLCE1 protein function. In summary, the available evidence is currently insufficient to determine the role of this variant in disease. Therefore, it has been classified as a Variant of Uncertain Significance.